The following is an entry in ClinVar:

NM_170606.3(KMT2C):c.8502A>T (p.Glu2834Asp)

Gene: KMT2C (lysine methyltransferase 2C; minus strand). Cytogenetic location: 7q36.1.
Variant type: single nucleotide variant.
Coding change: c.8502A>T on transcript NM_170606.3 (MANE Select); coding-DNA position 8502, A replaced by T.
Protein change: p.Glu2834Asp; replaces glutamic acid 2834 with aspartic acid.
Molecular consequence: missense variant.
Genome position (GRCh38, 1-based): chr7:152,176,951, T>A on the plus strand (A>T on the coding strand, the complement: KMT2C is on the minus strand). VCF-style: chr7-152176951-T-A. GRCh37 (hg19) VCF-style: chr7-151874036-T-A.
Other names: short protein forms E2834D.
Identifiers: ClinVar variation 134773 (VCV000134773.23), dbSNP rs138845109, ClinGen allele CA160717.

ClinVar aggregate classification (germline): Conflicting classifications of pathogenicity. Review status: criteria provided, conflicting classifications (1 of 4 stars). 6 submissions from 6 submitters: Uncertain significance (1); Benign (1); Likely benign (2). 2 of the submissions do not count toward it. Last evaluated 2025-10-27.

Conditions:
KMT2C-related disorder. Also called: KMT2C-related condition; KMT2C-related disorders.
atypical cerebral palsy.

Allele frequency attached by ClinVar (database versions not stated): ESP Exome Variant Server 0.00246; gnomAD 0.00302 and 0.00321; 1000 Genomes Project 0.00319; TOPMed 0.00336; 1000 Genomes Project 30x 0.00344; ExAC 0.00086; gnomAD exomes 0.00071.
gnomAD v4.1: 864 of 1,614,192 alleles (0.054%); highest among the groups gnomAD compares: African/African-American, 0.98%; 5 homozygotes.

Submissions (6):

Labcorp Genetics (formerly Invitae), Labcorp
Classification: Benign. Last evaluated: 2025-10-27. Review status: criteria provided, single submitter. Criteria: Invitae Variant Classification Sherloc (09022015). Collection method: clinical testing. Allele origin: germline.

CeGaT Center for Human Genetics Tuebingen
Classification: Likely benign. Last evaluated: 2025-07-01. Review status: criteria provided, single submitter. Criteria: CeGaT Center For Human Genetics Tuebingen Variant Classification Criteria Version 2. Collection method: clinical testing. Allele origin: germline. Affected: yes. Observed: 1 variant allele.
Comment: KMT2C: BP4, BS1

Blueprint Genetics
Classification: Likely benign. Last evaluated: 2024-07-19. Review status: criteria provided, single submitter. Criteria: ACMG Guidelines, 2015. Collection method: clinical testing. Allele origin: germline.

TIDEX, University of British Columbia
Classification: Uncertain significance for atypical cerebral palsy. Review status: criteria provided, single submitter. Criteria: ACMG Guidelines, 2015. Collection method: research. Allele origin: inherited. Inheritance: Autosomal recessive inheritance. Affected: yes.

PreventionGenetics, part of Exact Sciences
Classification: Benign for KMT2C-related condition. Last evaluated: 2019-09-24. Review status: no assertion criteria provided. Collection method: clinical testing. Allele origin: germline. Not counted in ClinVar's aggregate classification.
Comment: This variant is classified as benign based on ACMG/AMP sequence variant interpretation guidelines (Richards et al. 2015 PMID: 25741868, with internal and published modifications).

ITMI
No classification provided. Condition: AllHighlyPenetrant. Last evaluated: 2013-09-19. Review status: no classification provided. Collection method: reference population. Allele origin: germline. Not counted in ClinVar's aggregate classification.
Comment: Please see associated publication for description of ethnicities

Literature cited by the submitters: PubMed 24728327 (cited by ITMI).